The following is an entry in ClinVar:

ClinVar aggregate classification (germline): Uncertain significance. Review status: criteria provided, multiple submitters, no conflicts (2 of 4 stars). 3 submissions from 3 submitters: Uncertain significance (3). Last evaluated 2025-05-28.

Conditions:
Hereditary cancer-predisposing syndrome. Also called: Hereditary neoplastic syndrome; Tumor predisposition; Neoplastic Syndromes, Hereditary; Hereditary Cancer Syndrome. Identifiers: Orphanet 140162, MedGen C0027672, MeSH D009386, MONDO:0015356.
Cardiovascular phenotype. Identifiers: MedGen CN230736.

gnomAD v4.1: 2 of 1,613,656 alleles (0.00012%); highest among the groups gnomAD compares: Non-Finnish European, 0.000085%; no homozygotes.

Submissions (3):

GeneDx
Classification: Uncertain significance. Last evaluated: 2025-05-28. Review status: criteria provided, single submitter. Criteria: GeneDx Variant Classification Process June 2021. Collection method: clinical testing. Allele origin: germline. Affected: yes.
Comment: Not observed at significant frequency in large population cohorts (gnomAD); In silico analysis supports that this missense variant has a deleterious effect on protein structure/function; Reported in a patient with Bcellprecursor acute lymphoblastic leukemia in published literature (PMID: 38434521); This variant is associated with the following publications: (PMID: 38434521)

Labcorp Genetics (formerly Invitae), Labcorp
Classification: Uncertain significance. Last evaluated: 2025-03-31. Review status: criteria provided, single submitter. Criteria: Invitae Variant Classification Sherloc (09022015). Collection method: clinical testing. Allele origin: germline.
Comment: This sequence change replaces leucine, which is neutral and non-polar, with proline, which is neutral and non-polar, at codon 809 of the LZTR1 protein (p.Leu809Pro). This variant is present in population databases (no rsID available, gnomAD 0.004%). This variant has not been reported in the literature in individuals affected with LZTR1-related conditions. ClinVar contains an entry for this variant (Variation ID: 1700545). Invitae Evidence Modeling of protein sequence and biophysical properties (such as structural, functional, and spatial information, amino acid conservation, physicochemical variation, residue mobility, and thermodynamic stability) indicates that this missense variant is not expected to disrupt LZTR1 protein function with a negative predictive value of 80%. In summary, the available evidence is currently insufficient to determine the role of this variant in disease. Therefore, it has been classified as a Variant of Uncertain Significance.

Ambry Genetics
Classification: Uncertain significance for Cardiovascular phenotype; Hereditary cancer-predisposing syndrome. Last evaluated: 2025-01-23. Review status: criteria provided, single submitter. Criteria: Ambry Variant Classification Scheme 2023. Collection method: clinical testing. Allele origin: germline.
Comment: The p.L809P variant (also known as c.2426T>C), located in coding exon 21 of the LZTR1 gene, results from a T to C substitution at nucleotide position 2426. The leucine at codon 809 is replaced by proline, an amino acid with similar properties. This amino acid position is highly conserved in available vertebrate species. In addition, this alteration is predicted to be deleterious by in silico analysis. Based on the available evidence, the clinical significance of this variant remains unclear.

NM_006767.4(LZTR1):c.2426T>C (p.Leu809Pro)

Gene: LZTR1 (leucine zipper like post translational regulator 1; plus strand). Cytogenetic location: 22q11.21.
Variant type: single nucleotide variant.
Coding change: c.2426T>C on transcript NM_006767.4 (MANE Select); coding-DNA position 2426, T replaced by C.
Protein change: p.Leu809Pro; replaces leucine 809 with proline.
Molecular consequence: missense variant.
Genome position (GRCh38, 1-based): chr22:20,997,251, T>C. VCF-style: chr22-20997251-T-C. GRCh37 (hg19) VCF-style: chr22-21351540-T-C.
Other names: short protein forms L809P.
Identifiers: ClinVar variation 1700545 (VCV001700545.8), dbSNP rs771094125, ClinGen allele CA410781549.